The following is an entry in ClinVar:

ClinVar aggregate classification (germline): Uncertain significance (1 of 4 stars; one submission).

gnomAD v4.1: 1 of 1,557,396 alleles (0.000064%); highest among the groups gnomAD compares: African/African-American, 0.0014%; no homozygotes.

Submission:

Labcorp Genetics (formerly Invitae), Labcorp
Classification: Uncertain significance. Last evaluated: 2022-03-23. Review status: criteria provided, single submitter. Criteria: Invitae Variant Classification Sherloc (09022015). Collection method: clinical testing. Allele origin: germline.
Comment: In summary, the available evidence is currently insufficient to determine the role of this variant in disease. Therefore, it has been classified as a Variant of Uncertain Significance. Algorithms developed to predict the effect of missense changes on protein structure and function (SIFT, PolyPhen-2, Align-GVGD) all suggest that this variant is likely to be tolerated. This variant has not been reported in the literature in individuals affected with PAX1-related conditions. This variant is not present in population databases (gnomAD no frequency). This sequence change replaces proline, which is neutral and non-polar, with threonine, which is neutral and polar, at codon 471 of the PAX1 protein (p.Pro471Thr).

NM_001257096.2(PAX1):c.*47C>A

Gene: PAX1 (paired box 1; plus strand). Cytogenetic location: 20p11.22.
Variant type: single nucleotide variant.
Coding change: c.*47C>A on transcript NM_001257096.2 (MANE Select); 47 bases downstream of the stop codon, C replaced by A.
Molecular consequence: 3 prime UTR variant. On other transcripts: missense variant (1).
Genome position (GRCh38, 1-based): chr20:21,714,609, C>A. VCF-style: chr20-21714609-C-A. GRCh37 (hg19) VCF-style: chr20-21695247-C-A.
Other names: c.1411C>A, p.Pro471Thr (NM_006192.5); short protein forms P471T.
Identifiers: ClinVar variation 1935667 (VCV001935667.5), dbSNP rs1985304825, ClinGen allele CA408500057.